The following is an entry in ClinVar:

ClinVar aggregate classification (germline): Uncertain significance (1 of 4 stars; one submission).

Allele frequency attached by ClinVar (database versions not stated): TOPMed below 0.00001.

Submission:

Labcorp Genetics (formerly Invitae), Labcorp
Classification: Uncertain significance. Last evaluated: 2023-07-31. Review status: criteria provided, single submitter. Criteria: Invitae Variant Classification Sherloc (09022015). Collection method: clinical testing. Allele origin: germline.
Comment: This variant is not present in population databases (gnomAD no frequency). This sequence change replaces alanine, which is neutral and non-polar, with valine, which is neutral and non-polar, at codon 27 of the COL11A2 protein (p.Ala27Val). This variant has not been reported in the literature in individuals affected with COL11A2-related conditions. An algorithm developed to predict the effect of missense changes on protein structure and function (PolyPhen-2) suggests that this variant is likely to be disruptive. Algorithms developed to predict the effect of sequence changes on RNA splicing suggest that this variant may create or strengthen a splice site. In summary, the available evidence is currently insufficient to determine the role of this variant in disease. Therefore, it has been classified as a Variant of Uncertain Significance.

NM_080680.3(COL11A2):c.80C>T (p.Ala27Val)

Gene: COL11A2 (collagen type XI alpha 2 chain; minus strand). Cytogenetic location: 6p21.32.
Variant type: single nucleotide variant.
Coding change: c.80C>T on transcript NM_080680.3 (MANE Select); coding-DNA position 80, C replaced by T.
Protein change: p.Ala27Val; replaces alanine 27 with valine.
Molecular consequence: missense variant. On other transcripts: intron variant (1).
Genome position (GRCh38, 1-based): chr6:33,192,161, G>A on the plus strand (C>T on the coding strand, the complement: COL11A2 is on the minus strand). VCF-style: chr6-33192161-G-A. GRCh37 (hg19) VCF-style: chr6-33159938-G-A.
Other names: c.80C>T, p.Ala27Val (NM_080679.3, NM_080681.3, NM_001163771.2 and 1 more transcripts); c.-765+864C>T (NM_001424111.1); short protein forms A27V.
Identifiers: ClinVar variation 2699803 (VCV002699803.3), dbSNP rs1773196594, ClinGen allele CA363614834.
Genomic context (GRCh38, chr6:33,192,161, plus strand): 5'-AGAGACACTCAGAGCTCCAGCCTGACTCCGAGGACCCAGGCATCAGGACTCCTCTTACCT[G>A]CCCAGCCTGGGGCCGCGCTCAGCCCCAGCACCAGAGGTAGGAGGAGGAGGAGGCGATGGC-3'
Protein context (NP_542411.2, residues 17-37): VLGLSAAPGW[Ala27Val]GAPPVDVLRA